The following is an entry in ClinVar:

ClinVar aggregate classification (germline): Uncertain significance (1 of 4 stars; one submission).

Conditions:
CLTC-related disorder. Also called: CLTC-related condition.

Submission:

PreventionGenetics, part of Exact Sciences
Classification: Uncertain significance for CLTC-related condition. Last evaluated: 2025-07-31. Review status: criteria provided, single submitter. Criteria: ACMG Guidelines, 2015. Collection method: clinical testing. Allele origin: germline.
Comment: The CLTC c.731A>G variant is predicted to result in the amino acid substitution p.Asn244Ser. To our knowledge, this variant has not been reported in the literature or in a large population database (gnomAD), indicating this variant is rare. At this time, the clinical significance of this variant is uncertain due to the absence of conclusive functional and genetic evidence.

NM_004859.4(CLTC):c.719A>G (p.Asn240Ser)

Gene: CLTC (clathrin heavy chain; plus strand). Cytogenetic location: 17q23.1.
Variant type: single nucleotide variant.
Coding change: c.719A>G on transcript NM_004859.4 (MANE Select); coding-DNA position 719, A replaced by G.
Protein change: p.Asn240Ser; replaces asparagine 240 with serine.
Molecular consequence: missense variant.
Genome position (GRCh38, 1-based): chr17:59,651,240, A>G. VCF-style: chr17-59651240-A-G. GRCh37 (hg19) VCF-style: chr17-57728601-A-G.
Other names: c.731A>G, p.Asn244Ser (NM_001288653.2); short protein forms N240S, N244S.
Identifiers: ClinVar variation 4998023 (VCV004998023.1).